The following is an entry in ClinVar:

ClinVar aggregate classification (germline): Pathogenic (1 of 4 stars; one submission).

Conditions:
Cone-rod dystrophy 2 (CORD2). Also called: CONE-ROD RETINAL DYSTROPHY; Cone-rod retinal dystrophy 2. Identifiers: Orphanet 1872, MedGen C3489532, MONDO:0007362, OMIM 120970.
Leber congenital amaurosis 7 (LCA7). Identifiers: Orphanet 65, MedGen C3151192, MONDO:0013449, OMIM 613829.

Submission:

Labcorp Genetics (formerly Invitae), Labcorp
Classification: Pathogenic for Cone-rod dystrophy 2; Leber congenital amaurosis 7. Last evaluated: 2024-12-10. Review status: criteria provided, single submitter. Criteria: Invitae Variant Classification Sherloc (09022015). Collection method: clinical testing. Allele origin: germline.
Comment: This sequence change creates a premature translational stop signal (p.Ser150Glnfs*37) in the CRX gene. While this is not anticipated to result in nonsense mediated decay, it is expected to disrupt the last 150 amino acid(s) of the CRX protein. This variant is not present in population databases (gnomAD no frequency). This premature translational stop signal has been observed in individual(s) with CRX-related conditions (PMID: 37798099). This variant disrupts a region of the CRX protein in which other variant(s) (p.Tyr258*) have been determined to be pathogenic (PMID: 22968130, 25270190). This suggests that this is a clinically significant region of the protein, and that variants that disrupt it are likely to be disease-causing. For these reasons, this variant has been classified as Pathogenic.

Literature cited by the submitters: PubMed 37798099; PubMed 22968130; PubMed 25270190.

NM_000554.6(CRX):c.447del (p.Ser150fs)

Gene: CRX (cone-rod homeobox; plus strand). Cytogenetic location: 19q13.33.
Variant type: Deletion.
Coding change: c.447del on transcript NM_000554.6 (MANE Select); coding-DNA position 447, one base deleted (C; older notation c.447delC).
Protein change: p.Ser150fs; shifts the reading frame from serine 150.
Molecular consequence: frameshift variant.
Genome position (GRCh38, 1-based): chr19:47,839,514, C deleted; the last of 4 consecutive C bases (chr19:47,839,511-47,839,514); deleting any one gives the same sequence. VCF-style (leftmost placement, unchanged base first): chr19-47839510-GC-G. GRCh37 (hg19) VCF-style: chr19-48342767-GC-G.
Other names: short protein forms S150fs.
Identifiers: ClinVar variation 3759655 (VCV003759655.2).
Genomic context (GRCh38, chr19:47,839,510, plus strand): 5'-CCACAGATGTGTGTCCAGACCCTCTGGGCATCTCAGATTCCTACAGTCCCCCTCTGCCCG[GC>G]CCCTCAGGCTCCCCAACCACGGCAGTGGCCACTGTGTCCATCTGGAGCCCAGCCTCAGAG-3'